The following is an entry in ClinVar:

NM_000428.3(LTBP2):c.5376del (p.Cys1793fs)

Gene: LTBP2 (latent transforming growth factor beta binding protein 2; minus strand). Cytogenetic location: 14q24.3.
Variant type: Deletion.
Coding change: c.5376del on transcript NM_000428.3 (MANE Select); coding-DNA position 5376, one base deleted (C; older notation c.5376delC).
Protein change: p.Cys1793fs; shifts the reading frame from cysteine 1793.
Molecular consequence: frameshift variant.
Genome position (GRCh38, 1-based): chr14:74,500,974, G deleted on the plus strand (C on the coding strand, the reverse complement: LTBP2 is on the minus strand). VCF-style (leftmost placement, unchanged base first): chr14-74500973-AG-A. GRCh37 (hg19) VCF-style: chr14-74967676-AG-A.
Other names: short protein forms C1793fs.
Identifiers: ClinVar variation 126959 (VCV000126959.2), dbSNP rs137854895, ClinGen allele CA269734.

ClinVar aggregate classification (germline): Pathogenic. Review status: no assertion criteria provided (0 of 4 stars). 2 submissions from 2 submitters: Pathogenic (2). Last evaluated 2009-10-15.

Conditions:
Glaucoma 3A. Also called: Glaucoma 3, primary congenital, A. Identifiers: Orphanet 98976, Orphanet 98977, MedGen C1856439, MONDO:0009277, OMIM 231300.
Glaucoma 3, primary congenital, D. Identifiers: Orphanet 98976, MedGen C2751316, MONDO:0013122, OMIM 613086.

Submissions (2):

OMIM
Classification: Pathogenic for GLAUCOMA 3, PRIMARY CONGENITAL, D. Last evaluated: 2009-10-15. Review status: no assertion criteria provided. Collection method: literature only. Allele origin: germline.

Elahi Laboratory, University of Tehran
Classification: Pathogenic for Glaucoma, congenital. Review status: no assertion criteria provided. Collection method: not provided. Allele origin: unknown.
ClinVar note: Converted during submission from pathogenic to Pathogenic.

Literature cited by the submitters: PubMed 19656777 (cited by OMIM).